The following is an entry in ClinVar:

ClinVar aggregate classification (germline): Uncertain significance (1 of 4 stars; one submission).

Submission:

GeneDx
Classification: Uncertain significance. Last evaluated: 2024-06-20. Review status: criteria provided, single submitter. Criteria: GeneDx Variant Classification Process June 2021. Collection method: clinical testing. Allele origin: germline. Affected: yes.
Comment: In silico analysis indicates that this missense variant does not alter protein structure/function; Not observed at significant frequency in large population cohorts (gnomAD); Has not been previously published as pathogenic or benign to our knowledge

NM_002024.6(FMR1):c.1787A>C (p.Gln596Pro)

Gene: FMR1 (fragile X messenger ribonucleoprotein 1; plus strand). Cytogenetic location: Xq27.3.
Variant type: single nucleotide variant.
Coding change: c.1787A>C on transcript NM_002024.6 (MANE Select); coding-DNA position 1787, A replaced by C.
Protein change: p.Gln596Pro; replaces glutamine 596 with proline.
Molecular consequence: missense variant. On other transcripts: synonymous variant (2), non-coding transcript variant (2).
Genome position (GRCh38, 1-based): chrX:147,948,732, A>C. VCF-style: chrX-147948732-A-C. GRCh37 (hg19) VCF-style: chrX-147030252-A-C.
Other names: c.1516A>C, p.Arg506= (NM_001185075.2); c.1724A>C, p.Gln575Pro (NM_001185076.2); c.1453A>C, p.Arg485= (NM_001185081.2); c.1649A>C, p.Gln550Pro (NM_001185082.2); short protein forms Q550P, Q575P, Q596P.
Identifiers: ClinVar variation 3392687 (VCV003392687.1).